The following is an entry in ClinVar:

NM_001754.5(RUNX1):c.13A>G (p.Ser5Gly)

Gene: RUNX1 (RUNX family transcription factor 1; minus strand). Cytogenetic location: 21q22.12.
Variant type: single nucleotide variant.
Coding change: c.13A>G on transcript NM_001754.5 (MANE Select); coding-DNA position 13, A replaced by G.
Protein change: p.Ser5Gly; replaces serine 5 with glycine.
Molecular consequence: missense variant.
Genome position (GRCh38, 1-based): chr21:35,048,887, T>C on the plus strand (A>G on the coding strand, the complement: RUNX1 is on the minus strand). VCF-style: chr21-35048887-T-C. GRCh37 (hg19) VCF-style: chr21-36421184-T-C.
Other names: NM_001754.5(RUNX1):c.13A>G; p.Ser5Gly; short protein forms S5G.
Identifiers: ClinVar variation 648542 (VCV000648542.11), dbSNP rs1248488974, ClinGen allele CA410208288.

ClinVar aggregate classification (germline): Uncertain significance. Review status: reviewed by expert panel (3 of 4 stars). 4 submissions from 4 submitters: Uncertain significance (1). 3 of the submissions do not count toward it. Last evaluated 2024-10-29.

Conditions:
Inborn genetic diseases. Identifiers: MedGen C0950123, MeSH D030342.
Hereditary thrombocytopenia and hematologic cancer predisposition syndrome. Identifiers: Orphanet 71290, MedGen CN281654, MONDO:0011071.
Acute myeloid leukemia (AML). Also called: Acute myeloid leukemia, adult; AML adult; Acute non-lymphocytic leukemia; Acute granulocytic leukemia; Leukemia, acute myeloid, somatic; Leukemia, acute myelogenous, somatic. Identifiers: Orphanet 519, MedGen C0023467, MeSH D015470, MONDO:0018874, OMIM 601626, HP:0004808. Disease mechanism: Constitutively activated FLT3.
Hereditary thrombocytopenia and hematological cancer predisposition syndrome associated with RUNX1. Also called: Familial Platelet Disorder with Propensity to Acute Myelogenous Leukemia; Familial thrombocytopenia with propensity to acute myelogenous leukemia; RUNX1 Familial Platelet Disorder with Associated Myeloid Malignancies; PLATELET DISORDER, ASPIRIN-LIKE. Identifiers: Orphanet 71290, MedGen C1832388, MeSH C563324, MONDO:0100083, OMIM 601399.

Allele frequency attached by ClinVar (database versions not stated): TOPMed below 0.00001; gnomAD 0.00001; gnomAD exomes 0.00001.
gnomAD v4.1: 7 of 1,614,004 alleles (0.00043%); highest among the groups gnomAD compares: Non-Finnish European, 0.00059%; no homozygotes.

Submissions (4):

ClinGen Myeloid Malignancy Variant Curation Expert Panel
Classification: Uncertain significance for Hereditary thrombocytopenia and hematologic cancer predisposition syndrome. Last evaluated: 2024-10-29. Review status: reviewed by expert panel. Criteria: ClinGen MyeloMalig ACMG Specifications v2. Collection method: curation. Allele origin: germline. Inheritance: Autosomal dominant inheritance.
Comment: NM_001754.5(RUNX1):c.13A>G (p.Ser5Gly) is a missense variant. Multiple lines of computational evidence suggest no impact on gene /gene product (BP4). In addition, this variant is completely absent from all population databases with at least 20x coverage for RUNX1 (PM2_supporting). In summary, the clinical significance of this variant is uncertain due to insufficient evidence. ACMG/AMP criteria applied, as specified by the Myeloid Malignancy Variant Curation Expert Panel for RUNX1: BP4, PM2_supporting.

Ambry Genetics
Classification: Uncertain significance for Inborn genetic diseases. Last evaluated: 2025-03-07. Review status: criteria provided, single submitter. Criteria: Ambry Variant Classification Scheme 2023. Collection method: clinical testing. Allele origin: germline. Not counted in ClinVar's aggregate classification.
Comment: The p.S5G variant (also known as c.13A>G), located in coding exon 1 of the RUNX1 gene, results from an A to G substitution at nucleotide position 13. The serine at codon 5 is replaced by glycine, an amino acid with similar properties. This amino acid position is well conserved in available vertebrate species. In addition, the in silico prediction for this alteration is inconclusive. Based on the available evidence, the clinical significance of this variant remains unclear.

Fulgent Genetics
Classification: Uncertain significance for Hereditary thrombocytopenia and hematological cancer predisposition syndrome associated with RUNX1; Acute myeloid leukemia. Last evaluated: 2024-04-16. Review status: criteria provided, single submitter. Criteria: ACMG Guidelines, 2015. Collection method: clinical testing. Allele origin: germline. Not counted in ClinVar's aggregate classification.

Labcorp Genetics (formerly Invitae), Labcorp
Classification: Uncertain significance for Hereditary thrombocytopenia and hematological cancer predisposition syndrome associated with RUNX1. Last evaluated: 2023-01-22. Review status: criteria provided, single submitter. Criteria: Invitae Variant Classification Sherloc (09022015). Collection method: clinical testing. Allele origin: germline. Not counted in ClinVar's aggregate classification.
Comment: In summary, the available evidence is currently insufficient to determine the role of this variant in disease. Therefore, it has been classified as a Variant of Uncertain Significance. Algorithms developed to predict the effect of missense changes on protein structure and function are either unavailable or do not agree on the potential impact of this missense change (SIFT: "Tolerated"; PolyPhen-2: "Possibly Damaging"; Align-GVGD: "Class C0"). ClinVar contains an entry for this variant (Variation ID: 648542). This variant has not been reported in the literature in individuals affected with RUNX1-related conditions. This variant is not present in population databases (gnomAD no frequency). This sequence change replaces serine, which is neutral and polar, with glycine, which is neutral and non-polar, at codon 5 of the RUNX1 protein (p.Ser5Gly).